The following is an entry in ClinVar:

NM_003742.4(ABCB11):c.2814+5T>A

Genes: ABCB11 (ATP binding cassette subfamily B member 11; minus strand), LOC126806400 (CDK7 strongly-dependent group 2 enhancer GRCh37_chr2:169791870-169793069; plus strand). Cytogenetic location: 2q31.1.
Variant type: single nucleotide variant.
Coding change: c.2814+5T>A on transcript NM_003742.4 (MANE Select); 5 bases into the intron after coding-DNA position 2814, T replaced by A.
Molecular consequence: intron variant.
Genome position (GRCh38, 1-based): chr2:168,936,225, A>T on the plus strand (T>A on the coding strand, the complement: ABCB11 is on the minus strand). VCF-style: chr2-168936225-A-T. GRCh37 (hg19) VCF-style: chr2-169792735-A-T.
Identifiers: ClinVar variation 2155692 (VCV002155692.4), dbSNP rs758658884, ClinGen allele CA1951189.

ClinVar aggregate classification (germline): Uncertain significance (1 of 4 stars; one submission).

gnomAD v4.1: 5 of 1,611,882 alleles (0.00031%); highest among the groups gnomAD compares: Non-Finnish European, 0.00042%; no homozygotes.

Submission:

Labcorp Genetics (formerly Invitae), Labcorp
Classification: Uncertain significance. Last evaluated: 2024-10-24. Review status: criteria provided, single submitter. Criteria: Invitae Variant Classification Sherloc (09022015). Collection method: clinical testing. Allele origin: germline.
Comment: This sequence change falls in intron 22 of the ABCB11 gene. It does not directly change the encoded amino acid sequence of the ABCB11 protein. It affects a nucleotide within the consensus splice site. This variant is present in population databases (rs758658884, gnomAD 0.0009%). This variant has not been reported in the literature in individuals affected with ABCB11-related conditions. ClinVar contains an entry for this variant (Variation ID: 2155692). Variants that disrupt the consensus splice site are a relatively common cause of aberrant splicing (PMID: 17576681, 9536098). Algorithms developed to predict the effect of sequence changes on RNA splicing suggest that this variant is not likely to affect RNA splicing. In summary, the available evidence is currently insufficient to determine the role of this variant in disease. Therefore, it has been classified as a Variant of Uncertain Significance.

Literature cited by the submitters: PubMed 17576681; PubMed 9536098.